The following is an entry in ClinVar:

NM_004341.5(CAD):c.821G>A (p.Arg274Gln)

Gene: CAD (carbamoyl-phosphate synthetase 2, aspartate transcarbamylase, and dihydroorotase; plus strand). Cytogenetic location: 2p23.3.
Variant type: single nucleotide variant.
Coding change: c.821G>A on transcript NM_004341.5 (MANE Select); coding-DNA position 821, G replaced by A.
Protein change: p.Arg274Gln; replaces arginine 274 with glutamine.
Molecular consequence: missense variant.
Genome position (GRCh38, 1-based): chr2:27,223,574, G>A. VCF-style: chr2-27223574-G-A. GRCh37 (hg19) VCF-style: chr2-27446442-G-A.
Other names: c.821G>A, p.Arg274Gln (NM_001306079.2); short protein forms R274Q.
Identifiers: ClinVar variation 1512686 (VCV001512686.5), dbSNP rs1476008965, ClinGen allele CA346201488.

ClinVar aggregate classification (germline): Uncertain significance (1 of 4 stars; one submission).

Allele frequency attached by ClinVar (database versions not stated): gnomAD exomes below 0.00001; TOPMed below 0.00001; gnomAD 0.00001.
gnomAD v4.1: 2 of 1,612,618 alleles (0.00012%); highest among the groups gnomAD compares: East Asian, 0.0022%; no homozygotes.

Submission:

Labcorp Genetics (formerly Invitae), Labcorp
Classification: Uncertain significance. Last evaluated: 2022-06-13. Review status: criteria provided, single submitter. Criteria: Invitae Variant Classification Sherloc (09022015). Collection method: clinical testing. Allele origin: germline.
Comment: This sequence change replaces arginine, which is basic and polar, with glutamine, which is neutral and polar, at codon 274 of the CAD protein (p.Arg274Gln). This variant is present in population databases (no rsID available, gnomAD 0.0009%). This variant has not been reported in the literature in individuals affected with CAD-related conditions. Algorithms developed to predict the effect of missense changes on protein structure and function are either unavailable or do not agree on the potential impact of this missense change (SIFT: "Deleterious"; PolyPhen-2: "Probably Damaging"; Align-GVGD: "Class C0"). In summary, the available evidence is currently insufficient to determine the role of this variant in disease. Therefore, it has been classified as a Variant of Uncertain Significance.